The following is an entry in ClinVar:

ClinVar aggregate classification (germline): Uncertain significance (1 of 4 stars; one submission).

Conditions:
NRP2-related disorder. Also called: NRP2-related condition.

gnomAD v4.1: 6 of 1,614,124 alleles (0.00037%); highest among the groups gnomAD compares: Admixed American, 0.0017%; no homozygotes.

Submission:

PreventionGenetics, part of Exact Sciences
Classification: Uncertain significance for NRP2-related condition. Last evaluated: 2026-09-07. Review status: criteria provided, single submitter. Criteria: ACMG Guidelines, 2015. Collection method: clinical testing. Allele origin: germline.
Comment: The NRP2 c.2500G>A variant is predicted to result in the amino acid substitution p.Glu834Lys. To our knowledge, this variant has not been reported in the literature. This variant is reported in 0.0029% of alleles in individuals of Latino descent in gnomAD. At this time, the clinical significance of this variant is uncertain due to the absence of conclusive functional and genetic evidence.

NM_003872.3(NRP2):c.2485G>A (p.Glu829Lys)

Gene: NRP2 (neuropilin 2; plus strand). Cytogenetic location: 2q33.3.
Variant type: single nucleotide variant.
Coding change: c.2485G>A on transcript NM_003872.3 (MANE Select); coding-DNA position 2485, G replaced by A.
Protein change: p.Glu829Lys; replaces glutamic acid 829 with lysine.
Molecular consequence: missense variant.
Genome position (GRCh38, 1-based): chr2:205,794,762, G>A. VCF-style: chr2-205794762-G-A. GRCh37 (hg19) VCF-style: chr2-206659486-G-A.
Other names: c.2500G>A, p.Glu834Lys (NM_201266.2); c.2434G>A, p.Glu812Lys (NM_201279.2); short protein forms E834K, E812K, E829K.
Identifiers: ClinVar variation 4977652 (VCV004977652.1).